The following is an entry in ClinVar:

NM_001009944.3(PKD1):c.8173C>T (p.His2725Tyr)

Gene: PKD1 (polycystin 1, transient receptor potential channel interacting; minus strand). Cytogenetic location: 16p13.3.
Variant type: single nucleotide variant.
Coding change: c.8173C>T on transcript NM_001009944.3 (MANE Select); coding-DNA position 8173, C replaced by T.
Protein change: p.His2725Tyr; replaces histidine 2725 with tyrosine.
Molecular consequence: missense variant.
Genome position (GRCh38, 1-based): chr16:2,103,884, G>A on the plus strand (C>T on the coding strand, the complement: PKD1 is on the minus strand). VCF-style: chr16-2103884-G-A. GRCh37 (hg19) VCF-style: chr16-2153885-G-A.
Other names: c.8173C>T, p.His2725Tyr (NM_000296.4); short protein forms H2725Y.
Identifiers: ClinVar variation 2430546 (VCV002430546.2), dbSNP rs1007019127, ClinGen allele CA276777338.

ClinVar aggregate classification (germline): Uncertain significance (1 of 4 stars; one submission).

Allele frequency attached by ClinVar (database versions not stated): gnomAD 0.00001.
gnomAD v4.1: 7 of 1,591,602 alleles (0.00044%); highest among the groups gnomAD compares: Middle Eastern, 0.023%; no homozygotes.

Submission:

GeneDx
Classification: Uncertain significance. Last evaluated: 2025-02-18. Review status: criteria provided, single submitter. Criteria: GeneDx Variant Classification Process June 2021. Collection method: clinical testing. Allele origin: germline.
Comment: Not observed at significant frequency in large population cohorts (gnomAD); In silico analysis supports that this missense variant has a deleterious effect on protein structure/function; Has not been previously published as pathogenic or benign to our knowledge